The following is an entry in ClinVar:

NM_000074.3(CD40LG):c.478C>T (p.Gln160Ter)

Gene: CD40LG (CD40 ligand; plus strand). Cytogenetic location: Xq26.3.
Variant type: single nucleotide variant.
Coding change: c.478C>T on transcript NM_000074.3 (MANE Select); coding-DNA position 478, C replaced by T.
Protein change: p.Gln160Ter; replaces glutamine 160 with a stop codon.
Molecular consequence: nonsense.
Genome position (GRCh38, 1-based): chrX:136,659,107, C>T. VCF-style: chrX-136659107-C-T. GRCh37 (hg19) VCF-style: chrX-135741266-C-T.
Other names: short protein forms Q160*.
Identifiers: ClinVar variation 1444168 (VCV001444168.11), dbSNP rs767889061, ClinGen allele CA414755702.

ClinVar aggregate classification (germline): Pathogenic. Review status: criteria provided, multiple submitters, no conflicts (2 of 4 stars). 2 submissions from 2 submitters: Pathogenic (2). Last evaluated 2022-07-01.

Conditions:
Hyper-IgM syndrome type 1. Also called: CD40 Ligand Deficiency; Hyper-IgM Immunodeficiency Syndrome, Type 1; X-linked hyper-IgM syndrome; Immunodeficiency, X-linked, with hyper-IgM. Identifiers: Orphanet 101088, MedGen C0398689, MONDO:0010626, OMIM 308230.

Submissions (2):

Victorian Clinical Genetics Services, Murdoch Childrens Research Institute
Classification: Pathogenic for Hyper-IgM syndrome type 1. Last evaluated: 2022-07-01. Review status: criteria provided, single submitter. Criteria: ACMG Guidelines, 2015. Collection method: clinical testing. Allele origin: germline. Inheritance: X-linked inheritance. Affected: no.
Comment: Based on the classification scheme VCGS_Germline_v1.3.4, this variant is classified as Pathogenic. Following criteria are met: 0102 - Loss of function is a known mechanism of disease in this gene and is associated with X-linked immunodeficiency with hyper-IgM (MIM#308230). (I) 0109 - This gene is associated with X-linked recessive disease. (I) 0115 - Variants in this gene are known to have variable expressivity. Variable clinical findings have been reported, even within the same family (GeneReviews). (I) 0204 - Variant is predicted to result in a truncated protein (premature termination codon is NOT located at least 54 nucleotides upstream of the final exon-exon junction) with at least 1/3 of the protein sequence affected. (SP) 0251 - This variant is heterozygous. (I) 0301 - Variant is absent from gnomAD (both v2 and v3). (SP) 0600 - Variant is located in the annotated TNF (Tumour Necrosis Factor) family domain (DECIPHER). (I) 0701 – Other protein truncating variants (PTVs) comparable to the one identified in this case have very strong previous evidence for pathogenicity. There are at least five PTVs that have been classified as likely pathogenic or pathogenic (ClinVar, DECIPHER). (SP) 0803 - This variant has limited previous evidence of pathogenicity in an unrelated individual. This variant has been reported once in a child with X-linked immunodeficiency with hyper-IgM (PMID: 24929972). (SP) 0905 - No published segregation evidence has been identified for this variant. (I) 1007 - No published functional evidence has been identified for this variant. (I) 1208 - Inheritance information for this variant is not currently available in this individual. (I) Legend: (SP) - Supporting pathogenic, (I) - Information, (SB) - Supporting benign

Labcorp Genetics (formerly Invitae), Labcorp
Classification: Pathogenic for Hyper-IgM syndrome type 1. Last evaluated: 2021-04-03. Review status: criteria provided, single submitter. Criteria: Invitae Variant Classification Sherloc (09022015). Collection method: clinical testing. Allele origin: germline.
Comment: For these reasons, this variant has been classified as Pathogenic. This variant disrupts the C-terminus of the CD40LG protein. Other variant(s) that disrupt this region (p.Gln232*) have been determined to be pathogenic (PMID: 8550833, 18805740). This suggests that variants that disrupt this region of the protein are likely to be causative of disease. This variant has been observed in individual(s) with hyper IgM syndrome (PMID: 24929972). This variant is not present in population databases (ExAC no frequency). This sequence change creates a premature translational stop signal (p.Gln160*) in the CD40LG gene. While this is not anticipated to result in nonsense mediated decay, it is expected to disrupt the last 102 amino acid(s) of the CD40LG protein.

Literature cited by the submitters: PubMed 24929972 (cited by Victorian Clinical Genetics Services, Murdoch Childrens Research Institute and Labcorp Genetics (formerly Invitae), Labcorp); PubMed 8550833 (cited by Labcorp Genetics (formerly Invitae), Labcorp); PubMed 18805740 (cited by Labcorp Genetics (formerly Invitae), Labcorp).